The following is an entry in ClinVar:

NM_173630.4(RTTN):c.4561A>T (p.Asn1521Tyr)

Gene: RTTN (rotatin; minus strand). Cytogenetic location: 18q22.2.
Variant type: single nucleotide variant.
Coding change: c.4561A>T on transcript NM_173630.4 (MANE Select); coding-DNA position 4561, A replaced by T.
Protein change: p.Asn1521Tyr; replaces asparagine 1521 with tyrosine.
Molecular consequence: missense variant.
Genome position (GRCh38, 1-based): chr18:70,075,355, T>A on the plus strand (A>T on the coding strand, the complement: RTTN is on the minus strand). VCF-style: chr18-70075355-T-A. GRCh37 (hg19) VCF-style: chr18-67742591-T-A.
Other names: c.1825A>T, p.Asn609Tyr (NM_001318520.2); short protein forms N609Y, N1521Y.
Identifiers: ClinVar variation 1367060 (VCV001367060.8), dbSNP rs2145070822, ClinGen allele CA402680599.
Genomic context (GRCh38, chr18:70,075,355, plus strand): 5'-AACAGTTTTTACAAGTTACATATTACAAAAATAAAAATACAAAGATATCGTACTTACCAT[T>A]TAAATCATTGCTTTCTGAATTTCTATCAAAAGCAGAAAAATTCAAATCAAACATACACCG-3'
Protein context (NP_775901.3, residues 1511-1531): FDRNSESNDL[Asn1521Tyr]GLDDSFKFWR

ClinVar aggregate classification (germline): Uncertain significance (1 of 4 stars; one submission).

Submission:

Labcorp Genetics (formerly Invitae), Labcorp
Classification: Uncertain significance. Last evaluated: 2021-07-13. Review status: criteria provided, single submitter. Criteria: Invitae Variant Classification Sherloc (09022015). Collection method: clinical testing. Allele origin: germline.
Comment: This variant is not present in population databases (ExAC no frequency). This variant has not been reported in the literature in individuals affected with RTTN-related conditions. Algorithms developed to predict the effect of missense changes on protein structure and function are either unavailable or do not agree on the potential impact of this missense change (SIFT: "Tolerated"; PolyPhen-2: "Probably Damaging"; Align-GVGD: "Class C0"). In summary, the available evidence is currently insufficient to determine the role of this variant in disease. Therefore, it has been classified as a Variant of Uncertain Significance. This sequence change replaces asparagine with tyrosine at codon 1521 of the RTTN protein (p.Asn1521Tyr). The asparagine residue is moderately conserved and there is a large physicochemical difference between asparagine and tyrosine.